The following is an entry in ClinVar:

NM_001184.4(ATR):c.4805A>G (p.Glu1602Gly)

Gene: ATR (ATR checkpoint kinase; minus strand). Cytogenetic location: 3q23.
Variant type: single nucleotide variant.
Coding change: c.4805A>G on transcript NM_001184.4 (MANE Select); coding-DNA position 4805, A replaced by G.
Protein change: p.Glu1602Gly; replaces glutamic acid 1602 with glycine.
Molecular consequence: missense variant.
Genome position (GRCh38, 1-based): chr3:142,512,307, T>C on the plus strand (A>G on the coding strand, the complement: ATR is on the minus strand). VCF-style: chr3-142512307-T-C. GRCh37 (hg19) VCF-style: chr3-142231149-T-C.
Other names: c.4613A>G, p.Glu1538Gly (NM_001354579.2); short protein forms E1538G, E1602G.
Identifiers: ClinVar variation 1743224 (VCV001743224.2), dbSNP rs2108371346, ClinGen allele CA354795109.

ClinVar aggregate classification (germline): Uncertain significance (1 of 4 stars; one submission).

Conditions:
Inborn genetic diseases. Identifiers: MedGen C0950123, MeSH D030342.

Submission:

Ambry Genetics
Classification: Uncertain significance for Inborn genetic diseases. Last evaluated: 2022-03-03. Review status: criteria provided, single submitter. Criteria: Ambry Variant Classification Scheme 2023. Collection method: clinical testing. Allele origin: germline.
Comment: The p.E1602G variant (also known as c.4805A>G), located in coding exon 27 of the ATR gene, results from an A to G substitution at nucleotide position 4805. The glutamic acid at codon 1602 is replaced by glycine, an amino acid with similar properties. This amino acid position is conserved. In addition, this alteration is predicted to be tolerated by in silico analysis. Since supporting evidence is limited at this time, the clinical significance of this alteration remains unclear.